The following is an entry in ClinVar:

ClinVar aggregate classification (germline): Pathogenic/Likely pathogenic. Review status: criteria provided, multiple submitters, no conflicts (2 of 4 stars). 3 submissions from 3 submitters: Pathogenic (1); Likely pathogenic (1). 1 of the submissions does not count toward it. Last evaluated 2024-07-31.

Conditions:
Inborn genetic diseases. Identifiers: MedGen C0950123, MeSH D030342.
Microcephaly 5, primary, autosomal recessive (MCPH5). Also called: ASPM Primary Microcephaly. Identifiers: Orphanet 2512, MedGen C1837501, MONDO:0012106, OMIM 608716.

Submissions (3):

GeneDx
Classification: Likely pathogenic. Last evaluated: 2024-07-31. Review status: criteria provided, single submitter. Criteria: GeneDx Variant Classification Process June 2021. Collection method: clinical testing. Allele origin: germline. Affected: yes.
Comment: Reported previously in either the homozygous or compound heterozygous state in an individual with primary microcephaly; detailed clinical information and segregation not provided (PMID: 19028728); Frameshift variant predicted to result in protein truncation or nonsense mediated decay in a gene for which loss of function is a known mechanism of disease; Not observed at significant frequency in large population cohorts (gnomAD); This variant is associated with the following publications: (PMID: 19028728)

Ambry Genetics
Classification: Pathogenic for Inborn genetic diseases. Last evaluated: 2023-12-29. Review status: criteria provided, single submitter. Criteria: Ambry Variant Classification Scheme 2023. Collection method: clinical testing. Allele origin: germline.
Comment: The c.7491_7495delTATTA (p.T2499Sfs*18) alteration, located in exon 18 (coding exon 18) of the ASPM gene, consists of a deletion of 5 nucleotides from position 7491 to 7495, causing a translational frameshift with a predicted alternate stop codon after 18 amino acids. This alteration is expected to result in loss of function by premature protein truncation or nonsense-mediated mRNA decay. Based on data from gnomAD, this allele has an overall frequency of 0.002% (5/281748) total alleles studied. The highest observed frequency was 0.004% (5/128496) of European (non-Finnish) alleles. Based on the available evidence, this alteration is classified as pathogenic.

GeneReviews
No classification provided. Condition: Microcephaly 5, primary, autosomal recessive. Review status: no classification provided. Collection method: literature only. Allele origin: unknown. Not counted in ClinVar's aggregate classification.

Literature cited by the submitters: PubMed 20301772 (cited by GeneReviews); NCBI Bookshelf NBK9587 (cited by GeneReviews).

NM_018136.5(ASPM):c.7491_7495del (p.Thr2499fs)

Gene: ASPM (assembly factor for spindle microtubules; minus strand). Cytogenetic location: 1q31.3.
Variant type: Deletion.
Coding change: c.7491_7495del on transcript NM_018136.5 (MANE Select); coding-DNA positions 7491 to 7495, 5 bases deleted (TATTA; older notation c.7491_7495delTATTA).
Protein change: p.Thr2499fs; shifts the reading frame from threonine 2499.
Molecular consequence: frameshift variant. On other transcripts: intron variant (1).
Genome position (GRCh38, 1-based): chr1:197,101,756-197,101,760, TAATA deleted on the plus strand (TATTA on the coding strand, the reverse complement: ASPM is on the minus strand); deleting any 5 consecutive bases within chr1:197,101,756-197,101,762 gives the same sequence; the c. name uses the placement nearest the transcript's 3' end. VCF-style (leftmost placement, unchanged base first): chr1-197101755-GTAATA-G. GRCh37 (hg19) VCF-style: chr1-197070885-GTAATA-G.
Other names: c.4066-5596_4066-5592del (NM_001206846.2); c.7491_7495delTATTA (NM_018136.4); c.7491_7495del (NM_018136.4); short protein forms T2499fs.
Identifiers: ClinVar variation 21600 (VCV000021600.5), dbSNP rs199422172, ClinGen allele CA342271.